The following is an entry in ClinVar:

NM_024301.5(FKRP):c.109dup (p.Arg37fs)

Gene: FKRP (fukutin related protein; plus strand). Cytogenetic location: 19q13.32.
Variant type: Duplication.
Coding change: c.109dup on transcript NM_024301.5 (MANE Select); coding-DNA position 109, one base duplicated (C; older notation c.109dupC).
Protein change: p.Arg37fs; shifts the reading frame from arginine 37.
Molecular consequence: frameshift variant.
Genome position (GRCh38, 1-based): chr19:46,755,559, C duplicated; the last of 3 consecutive C bases (chr19:46,755,557-46,755,559); duplicating any one gives the same sequence. VCF-style (leftmost placement, unchanged base first): chr19-46755556-G-GC. GRCh37 (hg19) VCF-style: chr19-47258813-G-GC.
Other names: c.109dup, p.Arg37fs (NM_001039885.3); short protein forms R37fs.
Identifiers: ClinVar variation 3278982 (VCV003278982.1).

ClinVar aggregate classification (germline): Likely pathogenic (1 of 4 stars; one submission).

Conditions:
Cardiovascular phenotype. Identifiers: MedGen CN230736.

Submission:

Ambry Genetics
Classification: Likely pathogenic for Cardiovascular phenotype. Last evaluated: 2024-03-26. Review status: criteria provided, single submitter. Criteria: Ambry Variant Classification Scheme 2023. Collection method: clinical testing. Allele origin: germline.
Comment: The c.109dupC variant, located in coding exon 1 of the FKRP gene, results from a duplication of C at nucleotide position 109, causing a translational frameshift with a predicted alternate stop codon (p.R37Pfs*24). The predicted stop codon occurs in the 5&rsquo; end of theFKRP gene. Premature termination codons in the 5&rsquo; end of a gene have been reported to escape nonsense-mediated mRNAdecay and/or lead to re-initiation (Rivas et al. Science. 2015 May 8;348(6235):666-9; Lindeboom et al. Nat Genet. 2016 Oct;48(10):1112-8; Rhee et al. Sci Rep. 2017 May 10;7(1):1653). Direct evidence for this alteration is unavailable, however premature termination codons are typically deleterious in nature. This variant is considered to be rare based on population cohorts in the Genome Aggregation Database (gnomAD). Based on the majority of available evidence to date, this variant is likely to be pathogenic.